The following is an entry in ClinVar:

NM_001130823.3(DNMT1):c.892-84G>A

Gene: DNMT1 (DNA methyltransferase 1; minus strand). Cytogenetic location: 19p13.2.
Variant type: single nucleotide variant.
Coding change: c.892-84G>A on transcript NM_001130823.3 (MANE Select); 84 bases into the intron before coding-DNA position 892, G replaced by A.
Molecular consequence: intron variant.
Genome position (GRCh38, 1-based): chr19:10,163,444, C>T on the plus strand (G>A on the coding strand, the complement: DNMT1 is on the minus strand). VCF-style: chr19-10163444-C-T. GRCh37 (hg19) VCF-style: chr19-10274120-C-T.
Other names: c.529-84G>A (NM_001318731.2); c.844-84G>A (NM_001379.4, NM_001318730.2).
Identifiers: ClinVar variation 670503 (VCV000670503.2), dbSNP rs62106244, ClinGen allele CA14707018.

ClinVar aggregate classification (germline): Benign. Review status: criteria provided, multiple submitters, no conflicts (2 of 4 stars). 2 submissions from 2 submitters: Benign (2). Last evaluated 2018-06-15.

Allele frequency attached by ClinVar (database versions not stated): 1000 Genomes Project 30x 0.01296; 1000 Genomes Project 0.01318; TOPMed 0.02740; ESP Exome Variant Server 0.03088; gnomAD 0.03402 and 0.03551; gnomAD exomes 0.04027.
gnomAD v4.1: 56,322 of 1,427,718 alleles (3.9%); highest among the groups gnomAD compares: Non-Finnish European, 4.5%; 1,405 homozygotes.

Submissions (2):

GeneDx
Classification: Benign. Last evaluated: 2018-06-15. Review status: criteria provided, single submitter. Criteria: GeneDx Variant Classification (06012015). Collection method: clinical testing. Allele origin: germline. Affected: yes.
Comment: This variant is considered likely benign or benign based on one or more of the following criteria: it is a conservative change, it occurs at a poorly conserved position in the protein, it is predicted to be benign by multiple in silico algorithms, and/or has population frequency not consistent with disease.

Breakthrough Genomics
Classification: Benign. Review status: criteria provided, single submitter. Criteria: ACMG Guidelines, 2015. Collection method: not provided. Allele origin: germline. Inheritance: Autosomal dominant inheritance. Affected: yes.